The following is an entry in ClinVar:

NM_005591.4(MRE11):c.1012G>A (p.Glu338Lys)

Gene: MRE11 (MRE11 double strand break repair nuclease; minus strand). Cytogenetic location: 11q21.
Variant type: single nucleotide variant.
Coding change: c.1012G>A on transcript NM_005591.4 (MANE Select); coding-DNA position 1012, G replaced by A.
Protein change: p.Glu338Lys; replaces glutamic acid 338 with lysine.
Molecular consequence: missense variant.
Genome position (GRCh38, 1-based): chr11:94,470,476, C>T on the plus strand (G>A on the coding strand, the complement: MRE11 is on the minus strand). VCF-style: chr11-94470476-C-T. GRCh37 (hg19) VCF-style: chr11-94203642-C-T.
Other names: c.1012G>A, p.Glu338Lys (NM_001330347.2, NM_005590.4); short protein forms E338K.
Identifiers: ClinVar variation 3295807 (VCV003295807.1).

ClinVar aggregate classification (germline): Uncertain significance (1 of 4 stars; one submission).

Conditions:
Hereditary cancer-predisposing syndrome. Also called: Tumor predisposition; Hereditary Cancer Syndrome; Hereditary neoplastic syndrome; Neoplastic Syndromes, Hereditary. Identifiers: Orphanet 140162, MedGen C0027672, MeSH D009386, MONDO:0015356.

gnomAD v4.1: 4 of 1,612,632 alleles (0.00025%); highest among the groups gnomAD compares: Non-Finnish European, 0.00034%; no homozygotes.

Submission:

Ambry Genetics
Classification: Uncertain significance for Hereditary cancer-predisposing syndrome. Last evaluated: 2024-04-06. Review status: criteria provided, single submitter. Criteria: Ambry Variant Classification Scheme 2023. Collection method: clinical testing. Allele origin: germline.
Comment: The p.E338K variant (also known as c.1012G>A), located in coding exon 8 of the MRE11A gene, results from a G to A substitution at nucleotide position 1012. The glutamic acid at codon 338 is replaced by lysine, an amino acid with similar properties. This amino acid position is conserved. In addition, the in silico prediction for this alteration is inconclusive. Based on the available evidence, the clinical significance of this variant remains unclear.